The following is an entry in ClinVar:

ClinVar aggregate classification (germline): Uncertain significance. Review status: criteria provided, multiple submitters, no conflicts (2 of 4 stars). 2 submissions from 2 submitters: Uncertain significance (2). Last evaluated 2026-04-22.

Conditions:
Inborn genetic diseases. Identifiers: MedGen C0950123, MeSH D030342.
Fanconi anemia (FA). Also called: Fanconi's anemia. Identifiers: Orphanet 84, MedGen C0015625, MeSH D005199, MONDO:0019391.

Allele frequency attached by ClinVar (database versions not stated): gnomAD exomes below 0.00001; gnomAD 0.00001.
gnomAD v4.1: 7 of 1,603,860 alleles (0.00044%); highest among the groups gnomAD compares: South Asian, 0.0077%; no homozygotes.

Submissions (2):

Ambry Genetics
Classification: Uncertain significance for Inborn genetic diseases. Last evaluated: 2026-04-22. Review status: criteria provided, single submitter. Criteria: Ambry Variant Classification Scheme 2023. Collection method: clinical testing. Allele origin: germline.
Comment: The p.R693K variant (also known as c.2078G>A), located in coding exon 12 of the FANCM gene, results from a G to A substitution at nucleotide position 2078. The arginine at codon 693 is replaced by lysine, an amino acid with highly similar properties. This amino acid position is conserved. In addition, this alteration is predicted to be tolerated by in silico analysis. Based on the available evidence, the clinical significance of this variant remains unclear.

Labcorp Genetics (formerly Invitae), Labcorp
Classification: Uncertain significance for Fanconi anemia. Last evaluated: 2023-11-30. Review status: criteria provided, single submitter. Criteria: Invitae Variant Classification Sherloc (09022015). Collection method: clinical testing. Allele origin: germline.
Comment: This sequence change replaces arginine, which is basic and polar, with lysine, which is basic and polar, at codon 693 of the FANCM protein (p.Arg693Lys). This variant is present in population databases (no rsID available, gnomAD 0.003%). This variant has not been reported in the literature in individuals affected with FANCM-related conditions. ClinVar contains an entry for this variant (Variation ID: 2198137). An algorithm developed to predict the effect of missense changes on protein structure and function (PolyPhen-2) suggests that this variant is likely to be tolerated. In summary, the available evidence is currently insufficient to determine the role of this variant in disease. Therefore, it has been classified as a Variant of Uncertain Significance.

NM_020937.4(FANCM):c.2078G>A (p.Arg693Lys)

Gene: FANCM (FA complementation group M; plus strand). Cytogenetic location: 14q21.2.
Variant type: single nucleotide variant.
Coding change: c.2078G>A on transcript NM_020937.4 (MANE Select); coding-DNA position 2078, G replaced by A.
Protein change: p.Arg693Lys; replaces arginine 693 with lysine.
Molecular consequence: missense variant.
Genome position (GRCh38, 1-based): chr14:45,170,664, G>A. VCF-style: chr14-45170664-G-A. GRCh37 (hg19) VCF-style: chr14-45639867-G-A.
Other names: c.2000G>A, p.Arg667Lys (NM_001308133.2); short protein forms R667K, R693K.
Identifiers: ClinVar variation 2198137 (VCV002198137.6), dbSNP rs1261770538, ClinGen allele CA389596055.